The following is an entry in ClinVar:

ClinVar aggregate classification (germline): Uncertain significance (1 of 4 stars; one submission).

Conditions:
Intellectual developmental disorder, autosomal dominant 1. Also called: MBD5 Haploinsufficiency; Intellectual disability, autosomal dominant 1. Identifiers: Orphanet 228402, MedGen C1969562, MONDO:0007974, OMIM 156200.

Allele frequency attached by ClinVar (database versions not stated): TOPMed below 0.00001.

Submission:

Labcorp Genetics (formerly Invitae), Labcorp
Classification: Uncertain significance for Intellectual developmental disorder, autosomal dominant 1. Last evaluated: 2023-05-15. Review status: criteria provided, single submitter. Criteria: Invitae Variant Classification Sherloc (09022015). Collection method: clinical testing. Allele origin: germline.
Comment: This variant is not present in population databases (gnomAD no frequency). This variant has not been reported in the literature in individuals affected with MBD5-related conditions. Advanced modeling of protein sequence and biophysical properties (such as structural, functional, and spatial information, amino acid conservation, physicochemical variation, residue mobility, and thermodynamic stability) performed at Invitae indicates that this missense variant is not expected to disrupt MBD5 protein function. In summary, the available evidence is currently insufficient to determine the role of this variant in disease. Therefore, it has been classified as a Variant of Uncertain Significance. This sequence change replaces histidine, which is basic and polar, with arginine, which is basic and polar, at codon 515 of the MBD5 protein (p.His515Arg).

NM_001378120.1(MBD5):c.1544A>G (p.His515Arg)

Gene: MBD5 (methyl-CpG binding domain protein 5; plus strand). Cytogenetic location: 2q23.1.
Variant type: single nucleotide variant.
Coding change: c.1544A>G on transcript NM_001378120.1 (MANE Select); coding-DNA position 1544, A replaced by G.
Protein change: p.His515Arg; replaces histidine 515 with arginine.
Molecular consequence: missense variant.
Genome position (GRCh38, 1-based): chr2:148,469,487, A>G. VCF-style: chr2-148469487-A-G. GRCh37 (hg19) VCF-style: chr2-149227056-A-G.
Other names: c.1544A>G, p.His515Arg (NM_018328.5); short protein forms H515R.
Identifiers: ClinVar variation 2883517 (VCV002883517.3), dbSNP rs1680717095, ClinGen allele CA348719908.
Genomic context (GRCh38, chr2:148,469,487, plus strand): 5'-CAACAATAGGGTCCCCAAGGCCATCAATGCCATCAAGCCCTTCTACCAAGTCCGATGGAC[A>G]TCATCAGTACAAGGATATCCCTAACCCATTAATTGCTGGAATAAGTAATGTACTAAATAC-3'
Protein context (NP_001365049.1, residues 505-525): PSSPSTKSDG[His515Arg]HQYKDIPNPL